The following is an entry in ClinVar:

NM_032575.3(GLIS2):c.*23G>A

Gene: GLIS2 (GLIS family zinc finger 2; plus strand). Cytogenetic location: 16p13.3.
Variant type: single nucleotide variant.
Coding change: c.*23G>A on transcript NM_032575.3 (MANE Select); 23 bases downstream of the stop codon, G replaced by A.
Molecular consequence: 3 prime UTR variant.
Genome position (GRCh38, 1-based): chr16:4,337,547, G>A. VCF-style: chr16-4337547-G-A. GRCh37 (hg19) VCF-style: chr16-4387548-G-A.
Other names: c.*23G>A (NM_001318918.2).
Identifiers: ClinVar variation 319229 (VCV000319229.5), dbSNP rs146555568, ClinGen allele CA7873305.

ClinVar aggregate classification (germline): Likely benign (1 of 4 stars; one submission).

Conditions:
Nephronophthisis 7 (NPHP7). Identifiers: Orphanet 655, MedGen C1969092, MONDO:0012680, OMIM 611498.

Allele frequency attached by ClinVar (database versions not stated): gnomAD exomes 0.00039 and 0.00097; ExAC 0.00167; ESP Exome Variant Server 0.00222; gnomAD 0.00300 and 0.00319; TOPMed 0.00343; 1000 Genomes Project 0.00359; 1000 Genomes Project 30x 0.00390.
gnomAD v4.1: 1,026 of 1,544,572 alleles (0.066%); highest among the groups gnomAD compares: African/African-American, 0.94%; 7 homozygotes.

Submission:

Illumina Laboratory Services, Illumina
Classification: Likely benign for Nephronophthisis 7. Last evaluated: 2018-01-13. Review status: criteria provided, single submitter. Criteria: ICSL Variant Classification Criteria 13 December 2019. Collection method: clinical testing. Allele origin: germline.
Comment: This variant was observed in the ICSL laboratory as part of a predisposition screen in an ostensibly healthy population. It had not been previously curated by ICSL or reported in the Human Gene Mutation Database (HGMD: prior to June 1st, 2018), and was therefore a candidate for classification through an automated scoring system. Utilizing variant allele frequency, disease prevalence and penetrance estimates, and inheritance mode, an automated score was calculated to assess if this variant is too frequent to cause the disease. Based on the score and internal cut-off values, a variant classified as likely benign is not then subjected to further curation. The score for this variant resulted in a classification of likely benign for this disease.